The following is an entry in ClinVar:

NM_007374.3(SIX6):c.135G>C (p.Glu45Asp)

Genes: C14orf39 (chromosome 14 open reading frame 39; minus strand), SIX6 (SIX homeobox 6; plus strand). Cytogenetic location: 14q23.1.
Variant type: single nucleotide variant.
Coding change: c.135G>C on transcript NM_007374.3 (MANE Select); coding-DNA position 135, G replaced by C.
Protein change: p.Glu45Asp; replaces glutamic acid 45 with aspartic acid.
Molecular consequence: missense variant.
Genome position (GRCh38, 1-based): chr14:60,509,533, G>C. VCF-style: chr14-60509533-G-C. GRCh37 (hg19) VCF-style: chr14-60976251-G-C.
Other names: c.135G>C (NM_007374.2); short protein forms E45D.
Identifiers: ClinVar variation 2143349 (VCV002143349.5), dbSNP rs988434661, ClinGen allele CA262195803.

ClinVar aggregate classification (germline): Uncertain significance. Review status: criteria provided, multiple submitters, no conflicts (2 of 4 stars). 2 submissions from 2 submitters: Uncertain significance (2). Last evaluated 2026-01-05.

Allele frequency attached by ClinVar (database versions not stated): gnomAD exomes 0.00001; gnomAD 0.00005; TOPMed 0.00007.
gnomAD v4.1: 14 of 1,609,006 alleles (0.00087%); highest among the groups gnomAD compares: Admixed American, 0.01%; no homozygotes.

Submissions (2):

Labcorp Genetics (formerly Invitae), Labcorp
Classification: Uncertain significance. Last evaluated: 2026-01-05. Review status: criteria provided, single submitter. Criteria: Invitae Variant Classification Sherloc (09022015). Collection method: clinical testing. Allele origin: germline.
Comment: This sequence change replaces glutamic acid, which is acidic and polar, with aspartic acid, which is acidic and polar, at codon 45 of the SIX6 protein (p.Glu45Asp). This variant is present in population databases (no rsID available, gnomAD 0.01%). This variant has not been reported in the literature in individuals affected with SIX6-related conditions. ClinVar contains an entry for this variant (Variation ID: 2143349). Invitae Evidence Modeling of protein sequence and biophysical properties (such as structural, functional, and spatial information, amino acid conservation, physicochemical variation, residue mobility, and thermodynamic stability) indicates that this missense variant is not expected to disrupt SIX6 protein function with a negative predictive value of 80%. In summary, the available evidence is currently insufficient to determine the role of this variant in disease. Therefore, it has been classified as a Variant of Uncertain Significance.

Ambry Genetics
Classification: Uncertain significance. Last evaluated: 2023-12-09. Review status: criteria provided, single submitter. Criteria: Ambry Variant Classification Scheme 2023. Collection method: clinical testing. Allele origin: germline.